The following is an entry in ClinVar:

NM_001035.3(RYR2):c.4428G>A (p.Val1476=)

Gene: RYR2 (ryanodine receptor 2; plus strand). Cytogenetic location: 1q43.
Variant type: single nucleotide variant.
Coding change: c.4428G>A on transcript NM_001035.3 (MANE Select); coding-DNA position 4428, G replaced by A.
Protein change: p.Val1476=; no amino-acid change (valine 1476 retained).
Molecular consequence: synonymous variant.
Genome position (GRCh38, 1-based): chr1:237,593,628, G>A. VCF-style: chr1-237593628-G-A. GRCh37 (hg19) VCF-style: chr1-237756928-G-A.
Identifiers: ClinVar variation 915792 (VCV000915792.17), dbSNP rs747148516, ClinGen allele CA086607.

ClinVar aggregate classification (germline): Likely benign. Review status: criteria provided, multiple submitters, no conflicts (2 of 4 stars). 5 submissions from 5 submitters: Likely benign (5). Last evaluated 2026-01-13.

Conditions:
Cardiovascular phenotype. Identifiers: MedGen CN230736.
Catecholaminergic polymorphic ventricular tachycardia (CVPT). Also called: Catecholamine-induced polymorphic ventricular tachycardia. Identifiers: Orphanet 3286, MedGen C5574922, MONDO:0017990.
Catecholaminergic polymorphic ventricular tachycardia 1. Also called: VENTRICULAR TACHYCARDIA, CATECHOLAMINERGIC POLYMORPHIC, 1, WITH OR WITHOUT ATRIAL DYSFUNCTION AND/OR DILATED CARDIOMYOPATHY; VENTRICULAR TACHYCARDIA, STRESS-INDUCED POLYMORPHIC 1; RYR2-Related Catecholaminergic Polymorphic Ventricular Tachycardia. Identifiers: Orphanet 3286, MedGen C1631597, MONDO:0011484, OMIM 604772.
Cardiomyopathy (CMYO). Also called: Cardiomyopathies. Identifiers: Orphanet 167848, MedGen C0878544, MONDO:0004994, HP:0001638. Inheritance: Various modes of inheritance.

Allele frequency attached by ClinVar (database versions not stated): ExAC 0.00001; gnomAD exomes 0.00001 and 0.00002; TOPMed 0.00001.
gnomAD v4.1: 24 of 1,613,626 alleles (0.0015%); highest among the groups gnomAD compares: South Asian, 0.0044%; no homozygotes.

Submissions (5):

Labcorp Genetics (formerly Invitae), Labcorp
Classification: Likely benign for Catecholaminergic polymorphic ventricular tachycardia 1. Last evaluated: 2026-01-13. Review status: criteria provided, single submitter. Criteria: Invitae Variant Classification Sherloc (09022015). Collection method: clinical testing. Allele origin: germline.

All of Us Research Program, National Institutes of Health
Classification: Likely benign for Catecholaminergic polymorphic ventricular tachycardia. Last evaluated: 2023-12-13. Review status: criteria provided, single submitter. Criteria: ACMG Guidelines, 2015. Collection method: clinical testing. Allele origin: germline. Inheritance: Autosomal dominant inheritance. Observed: 3 variant alleles, 3 heterozygotes.
Comment: This study involves interpretation of variants in research participants for the purpose of population health screening. Participant phenotype was not available at the time of variant classification. Additional details can be found in publication PMID: 35346344, PMCID: PMC8962531

Ambry Genetics
Classification: Likely benign for Cardiovascular phenotype. Last evaluated: 2022-03-23. Review status: criteria provided, single submitter. Criteria: Ambry Variant Classification Scheme 2023. Collection method: clinical testing. Allele origin: germline.

Color Diagnostics, LLC DBA Color Health
Classification: Likely benign for Cardiomyopathy. Last evaluated: 2019-01-25. Review status: criteria provided, single submitter. Criteria: ACMG Guidelines, 2015. Collection method: clinical testing. Allele origin: germline.

CHEO Genetics Diagnostic Laboratory, Children's Hospital of Eastern Ontario
Classification: Likely benign for Cardiomyopathy. Last evaluated: 2018-08-27. Review status: criteria provided, single submitter. Criteria: ACMG Guidelines, 2015. Collection method: clinical testing. Allele origin: germline.